The following is an entry in ClinVar:

NM_014055.4(IFT81):c.1576G>A (p.Asp526Asn)

Gene: IFT81 (intraflagellar transport 81; plus strand). Cytogenetic location: 12q24.11.
Variant type: single nucleotide variant.
Coding change: c.1576G>A on transcript NM_014055.4 (MANE Select); coding-DNA position 1576, G replaced by A.
Protein change: p.Asp526Asn; replaces aspartic acid 526 with asparagine.
Molecular consequence: missense variant. On other transcripts: non-coding transcript variant (4).
Genome position (GRCh38, 1-based): chr12:110,203,882, G>A. VCF-style: chr12-110203882-G-A. GRCh37 (hg19) VCF-style: chr12-110641687-G-A.
Other names: c.1576G>A, p.Asp526Asn (NM_001143779.2); c.646G>A, p.Asp216Asn (NM_001347947.2, NM_001347948.2); short protein forms D216N, D526N.
Identifiers: ClinVar variation 845163 (VCV000845163.7), dbSNP rs1898432301, ClinGen allele CA386908741.

ClinVar aggregate classification (germline): Uncertain significance (1 of 4 stars; one submission).

Allele frequency attached by ClinVar (database versions not stated): gnomAD exomes below 0.00001.
gnomAD v4.1: 1 of 1,612,950 alleles (0.000062%); highest among the groups gnomAD compares: Middle Eastern, 0.017%; no homozygotes.

Submission:

Labcorp Genetics (formerly Invitae), Labcorp
Classification: Uncertain significance. Last evaluated: 2021-08-28. Review status: criteria provided, single submitter. Criteria: Invitae Variant Classification Sherloc (09022015). Collection method: clinical testing. Allele origin: germline.
Comment: This sequence change replaces aspartic acid with asparagine at codon 526 of the IFT81 protein (p.Asp526Asn). The aspartic acid residue is moderately conserved and there is a small physicochemical difference between aspartic acid and asparagine. This variant is not present in population databases (ExAC no frequency). This variant has not been reported in the literature in individuals affected with IFT81-related conditions. Algorithms developed to predict the effect of missense changes on protein structure and function (SIFT, PolyPhen-2, Align-GVGD) all suggest that this variant is likely to be tolerated. In summary, the available evidence is currently insufficient to determine the role of this variant in disease. Therefore, it has been classified as a Variant of Uncertain Significance.